The following is an entry in ClinVar:

NM_003072.5(SMARCA4):c.4126dup (p.Glu1376fs)

Gene: SMARCA4 (SWI/SNF related BAF chromatin remodeling complex subunit ATPase 4; plus strand). Cytogenetic location: 19p13.2.
Variant type: Duplication.
Coding change: c.4126dup on transcript NM_003072.5 (MANE Select); coding-DNA position 4126, one base duplicated (G; older notation c.4126dupG).
Protein change: p.Glu1376fs; shifts the reading frame from glutamic acid 1376.
Molecular consequence: frameshift variant. On other transcripts: non-coding transcript variant (1).
Genome position (GRCh38, 1-based): chr19:11,035,088, G duplicated; the last of 2 consecutive G bases (chr19:11,035,087-11,035,088); duplicating either gives the same sequence. VCF-style (leftmost placement, unchanged base first): chr19-11035086-A-AG. GRCh37 (hg19) VCF-style: chr19-11145762-A-AG.
Other names: c.4126dup, p.Glu1376fs (NM_001128844.3, NM_001128849.3, NM_001387283.1); c.4027dup, p.Glu1343fs (NM_001128845.2, NM_001128846.2, NM_001128847.4 and 3 more transcripts); short protein forms E1343fs, E1376fs.
Identifiers: ClinVar variation 2587114 (VCV002587114.2), dbSNP rs2515356007, ClinGen allele CA2582342941.

ClinVar aggregate classification (germline): Pathogenic (1 of 4 stars; one submission).

Conditions:
Hereditary cancer-predisposing syndrome. Also called: Tumor predisposition; Hereditary Cancer Syndrome; Hereditary neoplastic syndrome; Neoplastic Syndromes, Hereditary. Identifiers: Orphanet 140162, MedGen C0027672, MeSH D009386, MONDO:0015356.

Submission:

Ambry Genetics
Classification: Pathogenic for Hereditary cancer-predisposing syndrome. Last evaluated: 2023-07-06. Review status: criteria provided, single submitter. Criteria: Ambry Variant Classification Scheme 2023. Collection method: clinical testing. Allele origin: germline.
Comment: The c.4126dupG pathogenic mutation, located in coding exon 28 of the SMARCA4 gene, results from a duplication of G at nucleotide position 4126, causing a translational frameshift with a predicted alternate stop codon (p.E1376Gfs*24). This variant is considered to be rare based on population cohorts in the Genome Aggregation Database (gnomAD). This alteration is expected to result in loss of function by premature protein truncation or nonsense-mediated mRNA decay. Loss-of-function variants in SMARCA4 are known to cause rhabdoid tumor predisposition syndrome including small cell carcinoma of the ovary-hypercalcemic type (SCCOHT); however, such associations with neurodevelopmental disorders are exceedingly rare (Kosho T et al. Am J Med Genet C Semin Med Genet. 2014 Sep;166C(3):262-75; Jelinic P et al. Nat Genet. 2014 May;46(5):424-6). Based on the supporting evidence, this alteration is pathogenic for rhabdoid tumor predisposition syndrome; however, the association of this alteration with Coffin-Siris syndrome is unlikely.